The following is an entry in ClinVar:

ClinVar aggregate classification (germline): Uncertain significance (1 of 4 stars; one submission).

Submission:

Labcorp Genetics (formerly Invitae), Labcorp
Classification: Uncertain significance. Last evaluated: 2025-05-28. Review status: criteria provided, single submitter. Criteria: Invitae Variant Classification Sherloc (09022015). Collection method: clinical testing. Allele origin: germline.
Comment: This sequence change replaces glycine, which is neutral and non-polar, with arginine, which is basic and polar, at codon 270 of the MARS2 protein (p.Gly270Arg). This variant is not present in population databases (gnomAD no frequency). This variant has not been reported in the literature in individuals affected with MARS2-related conditions. Invitae Evidence Modeling of protein sequence and biophysical properties (such as structural, functional, and spatial information, amino acid conservation, physicochemical variation, residue mobility, and thermodynamic stability) indicates that this missense variant is not expected to disrupt MARS2 protein function with a negative predictive value of 80%. In summary, the available evidence is currently insufficient to determine the role of this variant in disease. Therefore, it has been classified as a Variant of Uncertain Significance.

NM_138395.4(MARS2):c.808G>C (p.Gly270Arg)

Gene: MARS2 (methionyl-tRNA synthetase 2, mitochondrial; plus strand). Cytogenetic location: 2q33.1.
Variant type: single nucleotide variant.
Coding change: c.808G>C on transcript NM_138395.4 (MANE Select); coding-DNA position 808, G replaced by C.
Protein change: p.Gly270Arg; replaces glycine 270 with arginine.
Molecular consequence: missense variant.
Genome position (GRCh38, 1-based): chr2:197,706,213, G>C. VCF-style: chr2-197706213-G-C. GRCh37 (hg19) VCF-style: chr2-198570937-G-C.
Other names: short protein forms G270R.
Identifiers: ClinVar variation 4776304 (VCV004776304.1).